The following is an entry in ClinVar:

NM_001013838.3(CARMIL2):c.2963C>A (p.Ala988Glu)

Gene: CARMIL2 (capping protein regulator and myosin 1 linker 2; plus strand). Cytogenetic location: 16q22.1.
Variant type: single nucleotide variant.
Coding change: c.2963C>A on transcript NM_001013838.3 (MANE Select); coding-DNA position 2963, C replaced by A.
Protein change: p.Ala988Glu; replaces alanine 988 with glutamic acid.
Molecular consequence: missense variant.
Genome position (GRCh38, 1-based): chr16:67,653,097, C>A. VCF-style: chr16-67653097-C-A. GRCh37 (hg19) VCF-style: chr16-67687000-C-A.
Other names: c.2855C>A, p.Ala952Glu (NM_001317026.3); short protein forms A952E, A988E.
Identifiers: ClinVar variation 1516293 (VCV001516293.7), dbSNP rs979715618, ClinGen allele CA396342868.

ClinVar aggregate classification (germline): Uncertain significance. Review status: criteria provided, multiple submitters, no conflicts (2 of 4 stars). 2 submissions from 2 submitters: Uncertain significance (2). Last evaluated 2024-12-12.

Allele frequency attached by ClinVar (database versions not stated): gnomAD exomes 0.00008.
gnomAD v4.1: 40 of 1,184,466 alleles (0.0034%); highest among the groups gnomAD compares: Middle Eastern, 0.036%; no homozygotes.

Submissions (2):

Labcorp Genetics (formerly Invitae), Labcorp
Classification: Uncertain significance. Last evaluated: 2024-12-12. Review status: criteria provided, single submitter. Criteria: Invitae Variant Classification Sherloc (09022015). Collection method: clinical testing. Allele origin: germline.
Comment: This sequence change replaces alanine, which is neutral and non-polar, with glutamic acid, which is acidic and polar, at codon 988 of the CARMIL2 protein (p.Ala988Glu). The frequency data for this variant in the population databases is considered unreliable, as metrics indicate poor data quality at this position in the gnomAD database. This variant has not been reported in the literature in individuals affected with CARMIL2-related conditions. ClinVar contains an entry for this variant (Variation ID: 1516293). Invitae Evidence Modeling of protein sequence and biophysical properties (such as structural, functional, and spatial information, amino acid conservation, physicochemical variation, residue mobility, and thermodynamic stability) indicates that this missense variant is not expected to disrupt CARMIL2 protein function with a negative predictive value of 80%. In summary, the available evidence is currently insufficient to determine the role of this variant in disease. Therefore, it has been classified as a Variant of Uncertain Significance.

Blueprint Genetics
Classification: Uncertain significance. Last evaluated: 2022-11-25. Review status: criteria provided, single submitter. Criteria: ACMG Guidelines, 2015. Collection method: clinical testing. Allele origin: germline.